The following is an entry in ClinVar:

NM_058195.4(CDKN2A):c.193+1G>A

Gene: CDKN2A (cyclin dependent kinase inhibitor 2A; minus strand). Cytogenetic location: 9p21.3.
Variant type: single nucleotide variant.
Coding change: c.193+1G>A on transcript NM_058195.4 (MANE Plus Clinical); the canonical splice donor site of the intron after coding-DNA position 193, G replaced by A.
Molecular consequence: splice donor variant. On other transcripts: intron variant (1).
Genome position (GRCh38, 1-based): chr9:21,994,138, C>T on the plus strand (G>A on the coding strand, the complement: CDKN2A is on the minus strand). VCF-style: chr9-21994138-C-T. GRCh37 (hg19) VCF-style: chr9-21994137-C-T.
Other names: CDKN2A, IVS1BDS, A-G, +1; c.-4+683G>A (NM_001363763.2).
Identifiers: ClinVar variation 406708 (VCV000406708.16), dbSNP rs1060501262, ClinGen allele CA16612794.

ClinVar aggregate classification (germline): Pathogenic/Likely pathogenic. Review status: criteria provided, multiple submitters, no conflicts (2 of 4 stars). 5 submissions from 5 submitters: Pathogenic (3); Likely pathogenic (1). 1 of the submissions does not count toward it. Last evaluated 2025-08-12.

Conditions:
Familial melanoma. Also called: Hereditary melanoma; Hereditary cutaneous melanoma. Identifiers: Orphanet 618, MedGen C1512419, MONDO:0018961.
Melanoma, cutaneous malignant, susceptibility to, 2 (CMM2). Also called: Cutaneous malignant melanoma 2; CDKN2A-Related Cutaneous Malignant Melanoma. Identifiers: Orphanet 618, MedGen C1835044, MONDO:0007964, OMIM 155601.
Melanoma-pancreatic cancer syndrome. Identifiers: Orphanet 404560, MedGen C1838547, MONDO:0011713, OMIM 606719. Disease mechanism: loss of function.

Submissions (6):

Myriad Genetics, Inc.
Classification: Likely pathogenic for Melanoma-pancreatic cancer syndrome. Last evaluated: 2025-08-12. Review status: criteria provided, single submitter. Criteria: Myriad Autosomal Dominant, Autosomal Recessive and X-Linked Classification Criteria (2023). Collection method: clinical testing. Allele origin: unknown.
Comment: This variant is considered likely pathogenic. This variant occurs within a consensus splice junction and is predicted to result in abnormal mRNA splicing of either an out-of-frame exon or an in-frame exon necessary for protein stability and/or normal function.

Department of Pathology and Laboratory Medicine, Sinai Health System
Classification: Pathogenic for melanoma-pancreatic cancer syndrome. Last evaluated: 2024-10-15. Review status: criteria provided, single submitter. Criteria: ACMG Guidelines, 2015. Collection method: clinical testing. Allele origin: germline.

Labcorp Genetics (formerly Invitae), Labcorp
Classification: Pathogenic for Familial melanoma. Last evaluated: 2020-08-14. Review status: criteria provided, single submitter. Criteria: Invitae Variant Classification Sherloc (09022015). Collection method: clinical testing. Allele origin: germline.
Comment: This sequence change affects a donor splice site in intron 1 of the CDKN2A (p14ARF) gene. It is expected to disrupt RNA splicing and likely results in an absent or disrupted protein product. This variant is not present in population databases (ExAC no frequency). This variant has been observed in individual(s) with familial cutaneous melanoma (PMID: 21893440, 15856016, 20132244). It has also been observed to segregate with disease in related individuals. Experimental studies have shown that this variant disrupts mRNA splicing (PMID: 15856016). Donor and acceptor splice site variants typically lead to a loss of protein function (PMID: 16199547), and loss-of-function variants in CDKN2A (p14ARF) are known to be pathogenic (PMID: 11571653, 15856016, 17440112). For these reasons, this variant has been classified as Pathogenic.

GeneDx
Classification: Pathogenic. Last evaluated: 2016-06-23. Review status: criteria provided, single submitter. Criteria: GeneDx Variant Classification (06012015). Collection method: clinical testing. Allele origin: germline. Affected: yes.
Comment: This variant is denoted CDKN2A c.193+1G>A or IVS1+1G>A and consists of a G>A nucleotide substitution at the +1 position of intron 1B of the of the CDKN2A gene. This variant destroys a canonical splice donor site and is predicted to cause abnormal gene splicing, leading to either an abnormal message that is subject to nonsense-mediated mRNA decay or to an abnormal protein product. Of note, the CDKN2A gene encodes the p16 protein and, using an alternate reading frame, the p14-ARF protein as well. As exon 1B is only used by the p14-ARF protein, CDKN2A c.193+1G>A will not affect the p16 protein. This variant has been reported in several individuals with a history of malignant melanoma and shown to segregate with disease in at least two families (Goldstein 2006, Harland 2005, Ghiorzo 2009, Binni 2010, Pedace 2011). We consider this CDKN2A c.193+1G>A to be pathogenic.

OMIM
Classification: risk factor for MELANOMA, CUTANEOUS MALIGNANT, SUSCEPTIBILITY TO, 2. Last evaluated: 2010-06-01. Review status: no assertion criteria provided. Collection method: literature only. Allele origin: germline. Not counted in ClinVar's aggregate classification.

Dr. Peter K. Rogan Lab, Western University
No classification provided (evidence only). Condition: Glioma susceptibility 1. Review status: no classification provided. Collection method: in vitro. Allele origin: not applicable. Functional consequence: retained intron. Not counted in ClinVar's aggregate classification.

Literature cited by the submitters: PubMed 15856016 (cited by Department of Pathology and Laboratory Medicine, Sinai Health System and Labcorp Genetics (formerly Invitae), Labcorp); PubMed 20132244 (cited by 3 submitters); PubMed 21893440 (cited by Department of Pathology and Laboratory Medicine, Sinai Health System and Labcorp Genetics (formerly Invitae), Labcorp); PubMed 16199547 (cited by Labcorp Genetics (formerly Invitae), Labcorp); PubMed 11571653 (cited by Labcorp Genetics (formerly Invitae), Labcorp); PubMed 17440112 (cited by Labcorp Genetics (formerly Invitae), Labcorp).